The following is an entry in ClinVar:

NM_001009944.3(PKD1):c.2857T>G (p.Tyr953Asp)

Gene: PKD1 (polycystin 1, transient receptor potential channel interacting; minus strand). Cytogenetic location: 16p13.3.
Variant type: single nucleotide variant.
Coding change: c.2857T>G on transcript NM_001009944.3 (MANE Select); coding-DNA position 2857, T replaced by G.
Protein change: p.Tyr953Asp; replaces tyrosine 953 with aspartic acid.
Molecular consequence: missense variant.
Genome position (GRCh38, 1-based): chr16:2,113,289, A>C on the plus strand (T>G on the coding strand, the complement: PKD1 is on the minus strand). VCF-style: chr16-2113289-A-C. GRCh37 (hg19) VCF-style: chr16-2163290-A-C.
Other names: c.2857T>G, p.Tyr953Asp (NM_000296.4); short protein forms Y953D.
Identifiers: ClinVar variation 3066094 (VCV003066094.2), dbSNP rs2544845376, ClinGen allele CA394385845.

ClinVar aggregate classification (germline): Uncertain significance. Review status: criteria provided, multiple submitters, no conflicts (2 of 4 stars). 2 submissions from 2 submitters: Uncertain significance (2). Last evaluated 2022-05-18.

Conditions:
Polycystic kidney disease, adult type (PKD1). Also called: POLYCYSTIC KIDNEY DISEASE, ADULT, TYPE I; Polycystic Kidney Disease 1, Autosomal Dominant; Polycystic kidney disease 1; Polycystic kidney disease 1, severe; Polycystic Kidney, Autosomal Dominant; POLYCYSTIC KIDNEY DISEASE 1 WITH OR WITHOUT POLYCYSTIC LIVER DISEASE. Identifiers: MedGen C3149841, MONDO:0008263, OMIM 173900.

Submissions (2):

MVZ Medizinische Genetik Mainz
Classification: Uncertain significance for Polycystic kidney disease, adult type. Last evaluated: 2022-05-18. Review status: criteria provided, single submitter. Criteria: UK Practice Guidelines For Variant Classification V4 01 2020. Collection method: clinical testing. Allele origin: germline. Inheritance: Autosomal dominant inheritance. Affected: yes. Observed: 1 variant allele.
Comment: ACMG Criteria: PM2_SUP, PP4 (ACMG Version 3)

Blueprint Genetics
Classification: Uncertain significance. Last evaluated: 2021-08-30. Review status: criteria provided, single submitter. Criteria: ACMG Guidelines, 2015. Collection method: clinical testing. Allele origin: germline.